The following is an entry in ClinVar:

NM_018263.6(ASXL2):c.258T>A (p.Asp86Glu)

Gene: ASXL2 (ASXL transcriptional regulator 2; minus strand). Cytogenetic location: 2p23.3.
Variant type: single nucleotide variant.
Coding change: c.258T>A on transcript NM_018263.6 (MANE Select); coding-DNA position 258, T replaced by A.
Protein change: p.Asp86Glu; replaces aspartic acid 86 with glutamic acid.
Molecular consequence: missense variant.
Genome position (GRCh38, 1-based): chr2:25,799,530, A>T on the plus strand (T>A on the coding strand, the complement: ASXL2 is on the minus strand). VCF-style: chr2-25799530-A-T. GRCh37 (hg19) VCF-style: chr2-26022399-A-T.
Other names: c.84T>A, p.Asp28Glu (NM_001369346.1); short protein forms D86E, D28E.
Identifiers: ClinVar variation 721222 (VCV000721222.11), dbSNP rs150279913, ClinGen allele CA1558107.

ClinVar aggregate classification (germline): Benign. Review status: criteria provided, single submitter (1 of 4 stars). 2 submissions from 2 submitters: Benign (1). 1 of the submissions does not count toward it. Last evaluated 2025-12-08.

Conditions:
ASXL2-related disorder. Also called: ASXL2-related condition.

Allele frequency attached by ClinVar (database versions not stated): gnomAD exomes 0.00018 and 0.00063; gnomAD 0.00021 and 0.00029; TOPMed 0.00041; ExAC 0.00066; 1000 Genomes Project 30x 0.00219; 1000 Genomes Project 0.00240.
gnomAD v4.1: 329 of 1,610,120 alleles (0.02%); highest among the groups gnomAD compares: East Asian, 0.64%; 2 homozygotes.

Submissions (2):

Labcorp Genetics (formerly Invitae), Labcorp
Classification: Benign. Last evaluated: 2025-12-08. Review status: criteria provided, single submitter. Criteria: Invitae Variant Classification Sherloc (09022015). Collection method: clinical testing. Allele origin: germline.

PreventionGenetics, part of Exact Sciences
Classification: Benign for ASXL2-related condition. Last evaluated: 2020-02-24. Review status: no assertion criteria provided. Collection method: clinical testing. Allele origin: germline. Not counted in ClinVar's aggregate classification.
Comment: This variant is classified as benign based on ACMG/AMP sequence variant interpretation guidelines (Richards et al. 2015 PMID: 25741868, with internal and published modifications).